The following is an entry in ClinVar:

NM_022089.4(ATP13A2):c.469G>A (p.Val157Ile)

Gene: ATP13A2 (ATPase cation transporting 13A2; minus strand). Cytogenetic location: 1p36.13.
Variant type: single nucleotide variant.
Coding change: c.469G>A on transcript NM_022089.4 (MANE Select); coding-DNA position 469, G replaced by A.
Protein change: p.Val157Ile; replaces valine 157 with isoleucine.
Molecular consequence: missense variant. On other transcripts: intron variant (2).
Genome position (GRCh38, 1-based): chr1:17,004,700, C>T on the plus strand (G>A on the coding strand, the complement: ATP13A2 is on the minus strand). VCF-style: chr1-17004700-C-T. GRCh37 (hg19) VCF-style: chr1-17331195-C-T.
Other names: c.462+7G>A (NM_001141974.3, NM_001141973.3); short protein forms V157I.
Identifiers: ClinVar variation 2041726 (VCV002041726.4), dbSNP rs1335574446, ClinGen allele CA338262933.

ClinVar aggregate classification (germline): Uncertain significance (1 of 4 stars; one submission).

Conditions:
Autosomal recessive spastic paraplegia type 78. Identifiers: Orphanet 513436, MedGen C5567893, MONDO:0014975, OMIM 617225.
Kufor-Rakeb syndrome (KRS). Also called: PARKINSON DISEASE 9, AUTOSOMAL RECESSIVE, JUVENILE-ONSET. Identifiers: Orphanet 306674, Orphanet 314632, MedGen C1847640, MONDO:0011706, OMIM 606693.

Allele frequency attached by ClinVar (database versions not stated): gnomAD 0.00001; TOPMed 0.00001.
gnomAD v4.1: 4 of 1,613,996 alleles (0.00025%); highest among the groups gnomAD compares: East Asian, 0.0022%; no homozygotes.

Submission:

Labcorp Genetics (formerly Invitae), Labcorp
Classification: Uncertain significance for Kufor-Rakeb syndrome; Autosomal recessive spastic paraplegia type 78. Last evaluated: 2022-08-19. Review status: criteria provided, single submitter. Criteria: Invitae Variant Classification Sherloc (09022015). Collection method: clinical testing. Allele origin: germline.
Comment: In summary, the available evidence is currently insufficient to determine the role of this variant in disease. Therefore, it has been classified as a Variant of Uncertain Significance. Advanced modeling of protein sequence and biophysical properties (such as structural, functional, and spatial information, amino acid conservation, physicochemical variation, residue mobility, and thermodynamic stability) performed at Invitae indicates that this missense variant is not expected to disrupt ATP13A2 protein function. This variant has not been reported in the literature in individuals affected with ATP13A2-related conditions. This variant is not present in population databases (gnomAD no frequency). This sequence change replaces valine, which is neutral and non-polar, with isoleucine, which is neutral and non-polar, at codon 157 of the ATP13A2 protein (p.Val157Ile).